The following is an entry in ClinVar:

NM_015450.3(POT1):c.968_970del (p.Leu323del)

Gene: POT1 (protection of telomeres 1; minus strand). Cytogenetic location: 7q31.33.
Variant type: Deletion.
Coding change: c.968_970del on transcript NM_015450.3 (MANE Select); coding-DNA positions 968 to 970, 3 bases deleted (TAT; older notation c.968_970delTAT).
Protein change: p.Leu323del; deletes leucine 323.
Molecular consequence: inframe deletion. On other transcripts: non-coding transcript variant (3).
Genome position (GRCh38, 1-based): chr7:124,846,978-124,846,980, ATA deleted on the plus strand (TAT on the coding strand, the reverse complement: POT1 is on the minus strand); deleting any 3 consecutive bases within chr7:124,846,978-124,846,982 gives the same sequence; the c. name uses the placement nearest the transcript's 3' end. VCF-style (leftmost placement, unchanged base first): chr7-124846977-TATA-T. GRCh37 (hg19) VCF-style: chr7-124487031-TATA-T.
Other names: c.968_970delTAT (NM_015450.2); c.575_577del, p.Leu192del (NM_001042594.2); short protein forms L323del, L192del.
Identifiers: ClinVar variation 851803 (VCV000851803.11), dbSNP rs1795185212, ClinGen allele CA916082959.

ClinVar aggregate classification (germline): Uncertain significance. Review status: criteria provided, multiple submitters, no conflicts (2 of 4 stars). 2 submissions from 2 submitters: Uncertain significance (2). Last evaluated 2025-05-16.

Conditions:
Tumor predisposition syndrome 3 (TPDS3). Also called: Melanoma, cutaneous malignant, susceptibility to, 10; Glioma susceptibility 9; LONG TELOMERE SYNDROME, POT1-RELATED; POT1 Tumor Predisposition. Identifiers: Orphanet 618, MedGen C4014476, MONDO:0014368, OMIM 615848.
Hereditary cancer-predisposing syndrome. Also called: Neoplastic Syndromes, Hereditary; Hereditary neoplastic syndrome; Tumor predisposition; Hereditary Cancer Syndrome. Identifiers: Orphanet 140162, MedGen C0027672, MeSH D009386, MONDO:0015356.

Submissions (2):

Ambry Genetics
Classification: Uncertain significance for Hereditary cancer-predisposing syndrome. Last evaluated: 2025-05-16. Review status: criteria provided, single submitter. Criteria: Ambry Variant Classification Scheme 2023. Collection method: clinical testing. Allele origin: germline.
Comment: The c.968_970delTAT variant (also known as p.L323del) is located in coding exon 8 of the POT1 gene. This variant results from an in-frame TAT deletion at nucleotide positions 968 to 970. This results in the in-frame deletion of a leucine residue at codon 323. This amino acid position is well conserved in available vertebrate species. In addition, this variant is predicted to be neutral by in silico analysis (Choi Y et al. PLoS ONE. 2012; 7(10):e46688). Based on the available evidence, the clinical significance of this variant remains unclear.

Labcorp Genetics (formerly Invitae), Labcorp
Classification: Uncertain significance for Tumor predisposition syndrome 3. Last evaluated: 2019-12-30. Review status: criteria provided, single submitter. Criteria: Invitae Variant Classification Sherloc (09022015). Collection method: clinical testing. Allele origin: germline.
Comment: In summary, the available evidence is currently insufficient to determine the role of this variant in disease. Therefore, it has been classified as a Variant of Uncertain Significance. Experimental studies and prediction algorithms are not available or were not evaluated, and the functional significance of this variant is currently unknown. This variant has not been reported in the literature in individuals with POT1-related conditions. This variant is not present in population databases (ExAC no frequency). This variant, c.968_970del, results in the deletion of 1 amino acid(s) of the POT1 protein (p.Leu323del), but otherwise preserves the integrity of the reading frame.